The following is an entry in ClinVar:

NM_138694.4(PKHD1):c.5236+14A>G

Genes: PKHD1 (PKHD1 ciliary IPT domain containing fibrocystin/polyductin; minus strand), LOC126859690 (MED14-independent group 3 enhancer GRCh37_chr6:51888848-51890047; plus strand). Cytogenetic location: 6p12.2.
Variant type: single nucleotide variant.
Coding change: c.5236+14A>G on transcript NM_138694.4 (MANE Select); 14 bases into the intron after coding-DNA position 5236, A replaced by G.
Molecular consequence: intron variant.
Genome position (GRCh38, 1-based): chr6:52,024,560, T>C on the plus strand (A>G on the coding strand, the complement: PKHD1 is on the minus strand). VCF-style: chr6-52024560-T-C. GRCh37 (hg19) VCF-style: chr6-51889358-T-C.
Other names: p.?; c.5236+14A>G (NM_170724.3).
Identifiers: ClinVar variation 96405 (VCV000096405.32), dbSNP rs12210725, ClinGen allele CA149512.

ClinVar aggregate classification (germline): Benign/Likely benign. Review status: criteria provided, multiple submitters, no conflicts (2 of 4 stars). 13 submissions from 13 submitters: Benign (7); Likely benign (1). 5 of the submissions do not count toward it. Last evaluated 2026-02-04.

Conditions:
Polycystic kidney disease 4 (PKD4). Also called: POLYCYSTIC KIDNEY AND HEPATIC DISEASE 1; POLYCYSTIC KIDNEY DISEASE, INFANTILE, TYPE I; POLYCYSTIC KIDNEY DISEASE 4 WITH OR WITHOUT POLYCYSTIC LIVER DISEASE; PKD3; Autosomal Recessive Polycystic Kidney Disease – PKHD1. Identifiers: MedGen C4540575, MONDO:0033004, OMIM 263200.
Autosomal recessive polycystic kidney disease (ARPKD). Also called: AR polycystic kidney disease. Identifiers: Orphanet 731, Orphanet 8378, MedGen C0085548, MeSH D017044, MONDO:0009889.
Polycystic kidney disease. Also called: Kidney, Polycystic; Polycystic kidney dysplasia. Identifiers: MedGen C0022680, MeSH D007690, MONDO:0020642, HP:0000113.

Allele frequency attached by ClinVar (database versions not stated): gnomAD 0.01912 and 0.02027; TOPMed 0.02087; 1000 Genomes Project 30x 0.02249; 1000 Genomes Project 0.02276; ESP Exome Variant Server 0.02322; gnomAD exomes 0.02902 and 0.03054; ExAC 0.03133.
gnomAD v4.1: 47,577 of 1,612,358 alleles (3%); highest among the groups gnomAD compares: South Asian, 8.4%; 1,005 homozygotes.

Submissions (13):

Labcorp Genetics (formerly Invitae), Labcorp
Classification: Benign for Autosomal recessive polycystic kidney disease. Last evaluated: 2026-02-04. Review status: criteria provided, single submitter. Criteria: Invitae Variant Classification Sherloc (09022015). Collection method: clinical testing. Allele origin: germline.

Blueprint Genetics
Classification: Likely benign. Last evaluated: 2024-11-26. Review status: criteria provided, single submitter. Criteria: ACMG Guidelines, 2015. Collection method: clinical testing. Allele origin: germline.

Mayo Clinic Laboratories, Mayo Clinic
Classification: Benign. Last evaluated: 2022-04-29. Review status: criteria provided, single submitter. Criteria: ACMG Guidelines, 2015. Collection method: clinical testing. Allele origin: germline. Observed: 20 variant alleles.

Pars Genome Lab
Classification: Benign for Polycystic kidney disease 4. Last evaluated: 2021-06-19. Review status: criteria provided, single submitter. Criteria: ACMG Guidelines, 2015. Collection method: clinical testing. Allele origin: germline. Affected: no.

GeneDx
Classification: Benign. Last evaluated: 2018-07-10. Review status: criteria provided, single submitter. Criteria: GeneDx Variant Classification Process June 2021. Collection method: clinical testing. Allele origin: germline. Affected: yes.

Illumina Laboratory Services, Illumina
Classification: Benign for Polycystic kidney disease 4. Last evaluated: 2018-01-12. Review status: criteria provided, single submitter. Criteria: ICSL Variant Classification Criteria 13 December 2019. Collection method: clinical testing. Allele origin: germline.
Comment: This variant was observed in the ICSL laboratory as part of a predisposition screen in an ostensibly healthy population. It had not been previously curated by ICSL or reported in the Human Gene Mutation Database (HGMD: prior to June 1st, 2018), and was therefore a candidate for classification through an automated scoring system. Utilizing variant allele frequency, disease prevalence and penetrance estimates, and inheritance mode, an automated score was calculated to assess if this variant is too frequent to cause the disease. Based on the score and internal cut-off values, a variant classified as benign is not then subjected to further curation. The score for this variant resulted in a classification of benign for this disease.

Eurofins Ntd Llc (ga)
Classification: Benign. Last evaluated: 2016-02-04. Review status: criteria provided, single submitter. Criteria: EGL Classification Definitions 2015. Collection method: clinical testing. Allele origin: germline. Observed: 10 variant alleles, 10 heterozygotes.

PreventionGenetics, part of Exact Sciences
Classification: Benign. Review status: criteria provided, single submitter. Criteria: ACMG Guidelines, 2015. Collection method: clinical testing. Allele origin: germline.

Natera, Inc.
Classification: Benign for Autosomal recessive polycystic kidney disease. Last evaluated: 2018-04-13. Review status: no assertion criteria provided. Collection method: clinical testing. Allele origin: germline. Not counted in ClinVar's aggregate classification.

Counsyl
Classification: Benign for Polycystic kidney disease 4. Last evaluated: 2017-04-26. Review status: no assertion criteria provided. Collection method: clinical testing. Allele origin: unknown. Not counted in ClinVar's aggregate classification.

Department of Pathology and Laboratory Medicine, Sinai Health System
Classification: Benign for Polycystic Kidney disease. Review status: no assertion criteria provided. Collection method: clinical testing. Allele origin: unknown. Affected: yes. Study: The Canadian Open Genetics Repository (COGR). Not counted in ClinVar's aggregate classification.
Comment: The PKHD1 c.5236+14A>G variant was identified as a polymorphism both in proband and control chromosomes at a frequency: 0.05 (Bergmann 2005 , Losekoot 2005 , Sharp 2005 ). The variant was also identified in dbSNP (ID: rs12210725) â€šÃ„ÃºWith Benign alleleâ€šÃ„Ã¹, with a minor allele frequency of 0.0228 (114 of 5000 chromosomes) 1000 Genomes Project; HAPMAP-CEU in 4 of 120 chromosomes (frequency: 0.3333); HAPMAP-HCB in 2 of 90 chromosomes (frequency: 0.02222); NHLBI GO Exome Sequencing Project in 281 of 8600 European American (freq. 0.0327) and 21 of 4406 (freq. 0.004766) African American chromosomes; Exome Aggregation Consortium database (March 14, 2016) in 3671 (93 homozygous) of 117172 chromosomes (freq. 0.03133) in the following populations: South Asian in 1393 of 16478 chromosomes (freq. 0.08454), European (Non-Finnish) in 1975 of 64092 chromosomes (freq. 0.03082), Latino in 136 of 11480 chromosomes (freq. 0.01185), European (Finnish) in 54 of 6600 chromosomes (freq. 0.008182), and African in 45 of 9138 chromosomes (freq. 0.004924), East Asian in 42 of 8498 (freq. 0.004942) and Other populations in 26 of 886 (freq. 0.02935), indicating the variant a benign polymorphism; Clinvitae (benign by EmyClass); the ClinVar (benign by Emory Genetics), GeneInsight COGR (benign by LMM); RWTH AAachen University ARPKD database (polymorphism). The variant occurs outside of the splicing consensus sequence and in silico or computational prediction software programs (SpliceSiteFinder, MaxEntScan, NNSPLICE, GeneSplicer, HumanSpliceFinder) do not predict the abolishment of the consensus splice site but predict creation of a new 5' splice site in this region. This information is not very predictive of pathogenicity. In summary, based on the above information, this variant meets our laboratory criteria to be classified as benign.

Genome Diagnostics Laboratory, University Medical Center Utrecht
Classification: Benign. Review status: no assertion criteria provided. Collection method: clinical testing. Allele origin: germline. Affected: yes. Study: VKGL Data-share Consensus. Not counted in ClinVar's aggregate classification.

Laboratory of Diagnostic Genome Analysis, Leiden University Medical Center (LUMC)
Classification: Benign. Review status: no assertion criteria provided. Collection method: clinical testing. Allele origin: germline. Affected: yes. Study: VKGL Data-share Consensus. Not counted in ClinVar's aggregate classification.